The following is an entry in ClinVar:

NM_005883.3(APC2):c.5655C>T (p.Pro1885=)

Gene: APC2 (APC regulator of Wnt signaling pathway 2; plus strand). Cytogenetic location: 19p13.3.
Variant type: single nucleotide variant.
Coding change: c.5655C>T on transcript NM_005883.3 (MANE Select); coding-DNA position 5655, C replaced by T.
Protein change: p.Pro1885=; no amino-acid change (proline 1885 retained).
Molecular consequence: synonymous variant.
Genome position (GRCh38, 1-based): chr19:1,468,956, C>T. VCF-style: chr19-1468956-C-T. GRCh37 (hg19) VCF-style: chr19-1468955-C-T.
Other names: c.5652C>T, p.Pro1884= (NM_001351273.1).
Identifiers: ClinVar variation 784752 (VCV000784752.31), dbSNP rs370778311, ClinGen allele CA9046081.

ClinVar aggregate classification (germline): Likely benign. Review status: criteria provided, multiple submitters, no conflicts (2 of 4 stars). 2 submissions from 2 submitters: Likely benign (2). Last evaluated 2026-08-01.

Allele frequency attached by ClinVar (database versions not stated): gnomAD exomes 0.00021 and 0.00031; TOPMed 0.00024; ESP Exome Variant Server 0.00026; gnomAD 0.00034 and 0.00036; ExAC 0.00041.
gnomAD v4.1: 493 of 1,556,238 alleles (0.032%); highest among the groups gnomAD compares: Middle Eastern, 0.19%; no homozygotes.

Submissions (2):

CeGaT Center for Human Genetics Tuebingen
Classification: Likely benign. Last evaluated: 2026-08-01. Review status: criteria provided, single submitter. Criteria: CeGaT Center For Human Genetics Tuebingen Variant Classification Criteria Version 2. Collection method: clinical testing. Allele origin: germline. Affected: yes. Observed: 3 variant alleles.
Comment: APC2: BP4, BP7

Labcorp Genetics (formerly Invitae), Labcorp
Classification: Likely benign. Last evaluated: 2025-12-16. Review status: criteria provided, single submitter. Criteria: Invitae Variant Classification Sherloc (09022015). Collection method: clinical testing. Allele origin: germline.